The following is an entry in ClinVar:

ClinVar aggregate classification (germline): Uncertain significance. Review status: criteria provided, multiple submitters, no conflicts (2 of 4 stars). 2 submissions from 2 submitters: Uncertain significance (2). Last evaluated 2025-11-25.

Conditions:
Spinocerebellar ataxia type 19/22 (SCA19). Also called: SPINOCEREBELLAR ATAXIA 19; SPINOCEREBELLAR ATAXIA 22. Identifiers: Orphanet 98772, MedGen C1846367, MONDO:0011819, OMIM 607346.
Cardiovascular phenotype. Identifiers: MedGen CN230736.

gnomAD v4.1: 1 of 1,614,124 alleles (0.000062%); highest among the groups gnomAD compares: Non-Finnish European, 0.000085%; no homozygotes.

Submissions (2):

Ambry Genetics
Classification: Uncertain significance for Cardiovascular phenotype. Last evaluated: 2025-11-25. Review status: criteria provided, single submitter. Criteria: Ambry Variant Classification Scheme 2023. Collection method: clinical testing. Allele origin: germline.

Labcorp Genetics (formerly Invitae), Labcorp
Classification: Uncertain significance for Spinocerebellar ataxia type 19/22. Last evaluated: 2024-05-16. Review status: criteria provided, single submitter. Criteria: Invitae Variant Classification Sherloc (09022015). Collection method: clinical testing. Allele origin: germline.
Comment: This sequence change replaces valine, which is neutral and non-polar, with methionine, which is neutral and non-polar, at codon 264 of the KCND3 protein (p.Val264Met). This variant is present in population databases (rs750099417, gnomAD 0.0009%). This variant has not been reported in the literature in individuals affected with KCND3-related conditions. Advanced modeling of protein sequence and biophysical properties (such as structural, functional, and spatial information, amino acid conservation, physicochemical variation, residue mobility, and thermodynamic stability) performed at Invitae indicates that this missense variant is not expected to disrupt KCND3 protein function with a negative predictive value of 80%. In summary, the available evidence is currently insufficient to determine the role of this variant in disease. Therefore, it has been classified as a Variant of Uncertain Significance.

NM_001378969.1(KCND3):c.790G>A (p.Val264Met)

Gene: KCND3 (potassium voltage-gated channel subfamily D member 3; minus strand). Cytogenetic location: 1p13.2.
Variant type: single nucleotide variant.
Coding change: c.790G>A on transcript NM_001378969.1 (MANE Select); coding-DNA position 790, G replaced by A.
Protein change: p.Val264Met; replaces valine 264 with methionine.
Molecular consequence: missense variant.
Genome position (GRCh38, 1-based): chr1:111,981,937, C>T on the plus strand (G>A on the coding strand, the complement: KCND3 is on the minus strand). VCF-style: chr1-111981937-C-T. GRCh37 (hg19) VCF-style: chr1-112524559-C-T.
Other names: c.790G>A, p.Val264Met (NM_001378970.1, NM_004980.5, NM_172198.3); short protein forms V264M.
Identifiers: ClinVar variation 3708408 (VCV003708408.3).